The following is an entry in ClinVar:

ClinVar aggregate classification (germline): Uncertain significance (1 of 4 stars; one submission).

Conditions:
Fanconi anemia (FA). Also called: Fanconi's anemia. Identifiers: Orphanet 84, MedGen C0015625, MeSH D005199, MONDO:0019391.

Submission:

Labcorp Genetics (formerly Invitae), Labcorp
Classification: Uncertain significance for Fanconi anemia. Last evaluated: 2023-08-10. Review status: criteria provided, single submitter. Criteria: Invitae Variant Classification Sherloc (09022015). Collection method: clinical testing. Allele origin: germline.
Comment: In summary, the available evidence is currently insufficient to determine the role of this variant in disease. Therefore, it has been classified as a Variant of Uncertain Significance. An algorithm developed to predict the effect of missense changes on protein structure and function (PolyPhen-2) suggests that this variant is likely to be disruptive. ClinVar contains an entry for this variant (Variation ID: 1437369). This variant has not been reported in the literature in individuals affected with SLX4-related conditions. This variant is not present in population databases (gnomAD no frequency). This sequence change replaces aspartic acid, which is acidic and polar, with glycine, which is neutral and non-polar, at codon 420 of the SLX4 protein (p.Asp420Gly).

NM_032444.4(SLX4):c.1259A>G (p.Asp420Gly)

Gene: SLX4 (SLX4 structure-specific endonuclease subunit; minus strand). Cytogenetic location: 16p13.3.
Variant type: single nucleotide variant.
Coding change: c.1259A>G on transcript NM_032444.4 (MANE Select); coding-DNA position 1259, A replaced by G.
Protein change: p.Asp420Gly; replaces aspartic acid 420 with glycine.
Molecular consequence: missense variant.
Genome position (GRCh38, 1-based): chr16:3,597,904, T>C on the plus strand (A>G on the coding strand, the complement: SLX4 is on the minus strand). VCF-style: chr16-3597904-T-C. GRCh37 (hg19) VCF-style: chr16-3647905-T-C.
Other names: short protein forms D420G.
Identifiers: ClinVar variation 1437369 (VCV001437369.6), dbSNP rs1596527931, ClinGen allele CA394529609.